The following is an entry in ClinVar:

ClinVar aggregate classification (germline): Uncertain significance. Review status: criteria provided, multiple submitters, no conflicts (2 of 4 stars). 3 submissions from 3 submitters: Uncertain significance (3). Last evaluated 2023-02-28.

Conditions:
Hereditary spastic paraplegia 48. Also called: SPASTIC PARAPLEGIA 48, AUTOSOMAL RECESSIVE; Spastic paraplegia 48. Identifiers: Orphanet 306511, MedGen C3150901, MONDO:0013342, OMIM 613647.

Allele frequency attached by ClinVar (database versions not stated): gnomAD exomes 0.00001 and 0.00002; ExAC 0.00002; TOPMed 0.00002; gnomAD 0.00003.
gnomAD v4.1: 15 of 1,613,704 alleles (0.00093%); highest among the groups gnomAD compares: Non-Finnish European, 0.00085%; no homozygotes.

Submissions (3):

Blueprint Genetics
Classification: Uncertain significance. Last evaluated: 2023-02-28. Review status: criteria provided, single submitter. Criteria: ACMG Guidelines, 2015. Collection method: clinical testing. Allele origin: germline.

Mayo Clinic Laboratories, Mayo Clinic
Classification: Uncertain significance. Last evaluated: 2023-02-20. Review status: criteria provided, single submitter. Criteria: ACMG Guidelines, 2015. Collection method: clinical testing. Allele origin: germline. Observed: 1 variant allele.
Comment: PM2

Labcorp Genetics (formerly Invitae), Labcorp
Classification: Uncertain significance for Hereditary spastic paraplegia 48. Last evaluated: 2020-02-15. Review status: criteria provided, single submitter. Criteria: Invitae Variant Classification Sherloc (09022015). Collection method: clinical testing. Allele origin: germline.
Comment: Algorithms developed to predict the effect of sequence changes on RNA splicing suggest that this variant may create or strengthen a splice site, but this prediction has not been confirmed by published transcriptional studies. This sequence change replaces leucine with valine at codon 430 of the AP5Z1 protein (p.Leu430Val). The leucine residue is moderately conserved and there is a small physicochemical difference between leucine and valine. This variant is present in population databases (rs769512279, ExAC 0.004%). This variant has not been reported in the literature in individuals with AP5Z1-related conditions. Algorithms developed to predict the effect of missense changes on protein structure and function (SIFT, PolyPhen-2, Align-GVGD) all suggest that this variant is likely to be tolerated, but these predictions have not been confirmed by published functional studies and their clinical significance is uncertain. In summary, the available evidence is currently insufficient to determine the role of this variant in disease. Therefore, it has been classified as a Variant of Uncertain Significance.

NM_014855.3(AP5Z1):c.1288T>G (p.Leu430Val)

Gene: AP5Z1 (adaptor related protein complex 5 subunit zeta 1; plus strand). Cytogenetic location: 7p22.1.
Variant type: single nucleotide variant.
Coding change: c.1288T>G on transcript NM_014855.3 (MANE Select); coding-DNA position 1288, T replaced by G.
Protein change: p.Leu430Val; replaces leucine 430 with valine.
Molecular consequence: missense variant. On other transcripts: non-coding transcript variant (1).
Genome position (GRCh38, 1-based): chr7:4,786,405, T>G. VCF-style: chr7-4786405-T-G. GRCh37 (hg19) VCF-style: chr7-4826036-T-G.
Other names: p.Leu430Val; c.1288T>G, p.Leu430Val (LRG_1247t1); c.820T>G, p.Leu274Val (NM_001364858.1); short protein forms L430V, L274V.
Identifiers: ClinVar variation 666057 (VCV000666057.12), dbSNP rs769512279, ClinGen allele CA4137711.